The following is an entry in ClinVar:

NM_000143.4(FH):c.793G>A (p.Ala265Thr)

Gene: FH (fumarate hydratase; minus strand). Cytogenetic location: 1q43.
Variant type: single nucleotide variant.
Coding change: c.793G>A on transcript NM_000143.4 (MANE Select); coding-DNA position 793, G replaced by A.
Protein change: p.Ala265Thr; replaces alanine 265 with threonine.
Molecular consequence: missense variant.
Genome position (GRCh38, 1-based): chr1:241,506,114, C>T on the plus strand (G>A on the coding strand, the complement: FH is on the minus strand). VCF-style: chr1-241506114-C-T. GRCh37 (hg19) VCF-style: chr1-241669414-C-T.
Other names: short protein forms A265T.
Identifiers: ClinVar variation 16230 (VCV000016230.3), dbSNP rs387906545, ClinGen allele CA257450.

ClinVar aggregate classification (germline): Uncertain significance. Review status: criteria provided, single submitter (1 of 4 stars). 2 submissions from 2 submitters: Uncertain significance (1). 1 of the submissions does not count toward it. Last evaluated 2025-05-28.

Conditions:
Fumarase deficiency (FMRD). Also called: Fumaric aciduria; Fumarate Hydratase Deficiency. Identifiers: Orphanet 24, MedGen C0342770, MONDO:0011730, OMIM 606812.

Submissions (2):

Labcorp Genetics (formerly Invitae), Labcorp
Classification: Uncertain significance. Last evaluated: 2025-05-28. Review status: criteria provided, single submitter. Criteria: Invitae Variant Classification Sherloc (09022015). Collection method: clinical testing. Allele origin: germline.
Comment: This sequence change replaces alanine, which is neutral and non-polar, with threonine, which is neutral and polar, at codon 265 of the FH protein (p.Ala265Thr). This variant is not present in population databases (gnomAD no frequency). This variant has not been reported in the literature in individuals affected with FH-related conditions. ClinVar contains an entry for this variant (Variation ID: 16230). Invitae Evidence Modeling of protein sequence and biophysical properties (such as structural, functional, and spatial information, amino acid conservation, physicochemical variation, residue mobility, and thermodynamic stability) indicates that this missense variant is not expected to disrupt FH protein function with a negative predictive value of 95%. In summary, the available evidence is currently insufficient to determine the role of this variant in disease. Therefore, it has been classified as a Variant of Uncertain Significance.

OMIM
Classification: Pathogenic for FUMARASE DEFICIENCY. Last evaluated: 2023-04-19. Review status: no assertion criteria provided. Collection method: literature only. Allele origin: germline. Not counted in ClinVar's aggregate classification.

Literature cited by the submitters: Coughlin, E. M., Chalmers, R. A., Slaugenhaupt, S. A., Gusella, J. F., Shih, V. E., Ramesh, V. Identification of a molecular defect in a fumarase deficient patient and mapping of the fumarase gene. (Abstract) Am. J. Hum. Genet. 53 (suppl.): A896-only, 1993. (cited by OMIM).